The following is an entry in ClinVar:

ClinVar aggregate classification (germline): Uncertain significance. Review status: criteria provided, multiple submitters, no conflicts (2 of 4 stars). 2 submissions from 2 submitters: Uncertain significance (2). Last evaluated 2025-08-09.

Allele frequency attached by ClinVar (database versions not stated): gnomAD exomes below 0.00001; TOPMed 0.00001; gnomAD 0.00002; ExAC 0.00003; ESP Exome Variant Server 0.00008; 1000 Genomes Project 30x 0.00016; 1000 Genomes Project 0.00020.
gnomAD v4.1: 10 of 1,613,742 alleles (0.00062%); highest among the groups gnomAD compares: East Asian, 0.0022%; no homozygotes.

Submissions (2):

Labcorp Genetics (formerly Invitae), Labcorp
Classification: Uncertain significance. Last evaluated: 2025-08-09. Review status: criteria provided, single submitter. Criteria: Invitae Variant Classification Sherloc (09022015). Collection method: clinical testing. Allele origin: germline.
Comment: This sequence change replaces arginine, which is basic and polar, with histidine, which is basic and polar, at codon 350 of the SRP72 protein (p.Arg350His). This variant is present in population databases (rs368765062, gnomAD 0.01%). This variant has not been reported in the literature in individuals affected with SRP72-related conditions. ClinVar contains an entry for this variant (Variation ID: 1942411). Invitae Evidence Modeling of protein sequence and biophysical properties (such as structural, functional, and spatial information, amino acid conservation, physicochemical variation, residue mobility, and thermodynamic stability) has been performed for this missense variant. However, the output from this modeling did not meet the statistical confidence thresholds required to predict the impact of this variant on SRP72 protein function. In summary, the available evidence is currently insufficient to determine the role of this variant in disease. Therefore, it has been classified as a Variant of Uncertain Significance.

GeneDx
Classification: Uncertain significance. Last evaluated: 2022-08-23. Review status: criteria provided, single submitter. Criteria: GeneDx Variant Classification Process June 2021. Collection method: clinical testing. Allele origin: germline. Affected: yes.
Comment: Not observed at significant frequency in large population cohorts (gnomAD); In silico analysis supports that this missense variant has a deleterious effect on protein structure/function; Has not been previously published as pathogenic or benign to our knowledge

NM_006947.4(SRP72):c.1049G>A (p.Arg350His)

Gene: SRP72 (signal recognition particle 72; plus strand). Cytogenetic location: 4q12.
Variant type: single nucleotide variant.
Coding change: c.1049G>A on transcript NM_006947.4 (MANE Select); coding-DNA position 1049, G replaced by A.
Protein change: p.Arg350His; replaces arginine 350 with histidine.
Molecular consequence: missense variant. On other transcripts: non-coding transcript variant (1).
Genome position (GRCh38, 1-based): chr4:56,484,827, G>A. VCF-style: chr4-56484827-G-A. GRCh37 (hg19) VCF-style: chr4-57350993-G-A.
Other names: c.1049G>A (NM_006947.3); c.866G>A, p.Arg289His (NM_001267722.2); short protein forms R289H, R350H.
Identifiers: ClinVar variation 1942411 (VCV001942411.6), dbSNP rs368765062, ClinGen allele CA2931262.